The following is an entry in ClinVar:

GRCh37/hg19 16p13.3(chr16:6344789-6673241)x3

Gene: RBFOX1 (RNA binding fox-1 homolog 1; plus strand). Cytogenetic location: 16p13.3.
Variant type: copy number gain.
Change: copy number 3 (three copies instead of two) of chr16:6,344,789-6,673,241 (328.5 kb, GRCh37 coordinates, 1-based), cytogenetic band 16p13.3.
Identifiers: ClinVar variation 202238 (VCV000202238.4).

ClinVar aggregate classification (germline): Uncertain significance (1 of 4 stars; one submission).

Submission:

Cytogenetics Laboratory, University of Washington
Classification: Uncertain significance. Last evaluated: 2015-05-18. Review status: criteria provided, single submitter. Criteria: UW Cytogenetics and Genomics Laboratory Policy on CNV Interpretation (5/6/2015). Collection method: clinical testing. Allele origin: unknown. Affected: yes. Observed: 1 variant allele.

Literature cited by the submitters: PubMed 25243798; PubMed 22031302; PubMed 23375656; PubMed 24664471.